The following is an entry in ClinVar:

ClinVar aggregate classification (germline): Benign (3 of 4 stars; one submission).

Conditions:
Breast-ovarian cancer, familial, susceptibility to, 2 (BROVCA2). Also called: BRCA2 Hereditary Breast and Ovarian Cancer. Identifiers: Orphanet 145, MedGen C2675520, MONDO:0012933, OMIM 612555. Disease mechanism: loss of function.

Allele frequency attached by ClinVar (database versions not stated): gnomAD 0.00022 and 0.00037; TOPMed 0.00028; 1000 Genomes Project 30x 0.00234; 1000 Genomes Project 0.00300.
gnomAD v4.1: 56 of 152,322 alleles (0.037%); highest among the groups gnomAD compares: East Asian, 0.56%; 2 homozygotes.

Submission:

Evidence-based Network for the Interpretation of Germline Mutant Alleles (ENIGMA)
Classification: Benign for Breast-ovarian cancer, familial, susceptibility to, 2. Last evaluated: 2016-09-28. Review status: reviewed by expert panel. Criteria: ENIGMA BRCA1/2 Classification Criteria (2015). Collection method: curation. Allele origin: germline.
Comment: Class 1 not pathogenic based on frequency >1% in an outbred sampleset. Frequency 0.0129 (East Asian), derived from 1000 genomes (2013-05-02).

NM_000059.4(BRCA2):c.9649-158A>G

Gene: BRCA2 (BRCA2 DNA repair associated; plus strand). Cytogenetic location: 13q13.1.
Variant type: single nucleotide variant.
Coding change: c.9649-158A>G on transcript NM_000059.4 (MANE Select); 158 bases into the intron before coding-DNA position 9649, A replaced by G.
Molecular consequence: intron variant.
Genome position (GRCh38, 1-based): chr13:32,398,004, A>G. VCF-style: chr13-32398004-A-G. GRCh37 (hg19) VCF-style: chr13-32972141-A-G.
Identifiers: ClinVar variation 264976 (VCV000264976.1), dbSNP rs55848377, ClinGen allele CA10588178.